The following is an entry in ClinVar:

NM_152564.5(VPS13B):c.9843_9862del (p.Lys3282fs)

Gene: VPS13B (vacuolar protein sorting 13 homolog B; plus strand). Cytogenetic location: 8q22.2.
Variant type: Deletion.
Coding change: c.9843_9862del on transcript NM_152564.5 (MANE Select); coding-DNA positions 9843 to 9862, 20 bases deleted (CAAAGACTTACTTCCAAGCC).
Protein change: p.Lys3282fs; shifts the reading frame from lysine 3282.
Molecular consequence: frameshift variant.
Genome position (GRCh38, 1-based): chr8:99,835,639-99,835,658, CAAAGACTTACTTCCAAGCC deleted; deleting any 20 consecutive bases within chr8:99,835,638-99,835,658 gives the same sequence; the c. name uses the placement nearest the transcript's 3' end. VCF-style (leftmost placement, unchanged base first): chr8-99835637-ACCAAAGACTTACTTCCAAGC-A. GRCh37 (hg19) VCF-style: chr8-100847865-ACCAAAGACTTACTTCCAAGC-A.
Other names: c.9918_9937del, p.Lys3307fs (NM_017890.5); short protein forms K3282fs, K3307fs.
Identifiers: ClinVar variation 1434009 (VCV001434009.6), dbSNP rs2130866580, ClinGen allele CA2573143608.
Genomic context (GRCh38, chr8:99,835,637, plus strand): 5'-TCCGAGTGCTCAATTCATCATGAGCTGTATCATCAGATTTCCAGTTATCCGGACTGCAAG[ACCAAAGACTTACTTCCAAGC>A]CTACTTTTGAGAGTTGAACCTCTAGATGAAGTAACAACTGAGTGGAGTGATGCCATTGAC-3'

ClinVar aggregate classification (germline): Pathogenic (1 of 4 stars; one submission).

Conditions:
Cohen syndrome (COH1). Also called: PEPPER SYNDROME; Cutis verticis gyrata, retinitis pigmentosa, and sensorineural deafness. Identifiers: Orphanet 193, MedGen C0265223, MONDO:0008999, OMIM 216550.

Submission:

Labcorp Genetics (formerly Invitae), Labcorp
Classification: Pathogenic for Cohen syndrome. Last evaluated: 2021-04-28. Review status: criteria provided, single submitter. Criteria: Invitae Variant Classification Sherloc (09022015). Collection method: clinical testing. Allele origin: germline.
Comment: For these reasons, this variant has been classified as Pathogenic. This variant has not been reported in the literature in individuals with VPS13B-related conditions. This variant is not present in population databases (ExAC no frequency). This sequence change creates a premature translational stop signal (p.Lys3307Thrfs*5) in the VPS13B gene. It is expected to result in an absent or disrupted protein product. Loss-of-function variants in VPS13B are known to be pathogenic (PMID: 15141358, 16648375, 20461111).

Literature cited by the submitters: PubMed 15141358; PubMed 16648375; PubMed 20461111.